The following is an entry in ClinVar:

NM_004991.4(MECOM):c.1406A>G (p.Tyr469Cys)

Gene: MECOM (MDS1 and EVI1 complex locus; minus strand). Cytogenetic location: 3q26.2.
Variant type: single nucleotide variant.
Coding change: c.1406A>G on transcript NM_004991.4 (MANE Select); coding-DNA position 1406, A replaced by G.
Protein change: p.Tyr469Cys; replaces tyrosine 469 with cysteine.
Molecular consequence: missense variant. On other transcripts: intron variant (2).
Genome position (GRCh38, 1-based): chr3:169,116,466, T>C on the plus strand (A>G on the coding strand, the complement: MECOM is on the minus strand). VCF-style: chr3-169116466-T-C. GRCh37 (hg19) VCF-style: chr3-168834254-T-C.
Other names: c.1037A>G, p.Tyr346Cys (NM_001105077.4); c.842A>G, p.Tyr281Cys (NM_001105078.4, NM_001164000.2, NM_001205194.2 and 4 more transcripts); c.845A>G, p.Tyr282Cys (NM_001163999.2, NM_001366467.2, NM_001366468.2 and 1 more transcripts); c.1406A>G, p.Tyr469Cys (NM_001366466.2); c.1133-699A>G (NM_001366473.2); c.569-699A>G (NM_001366474.2); short protein forms Y346C, Y281C, Y282C, Y469C.
Identifiers: ClinVar variation 4053318 (VCV004053318.1).

ClinVar aggregate classification (germline): Uncertain significance (1 of 4 stars; one submission).

Conditions:
Inborn genetic diseases. Identifiers: MedGen C0950123, MeSH D030342.

gnomAD v4.1: 2 of 1,614,038 alleles (0.00012%); highest among the groups gnomAD compares: African/African-American, 0.0027%; no homozygotes.

Submission:

Ambry Genetics
Classification: Uncertain significance for Inborn genetic diseases. Last evaluated: 2025-06-06. Review status: criteria provided, single submitter. Criteria: Ambry Variant Classification Scheme 2023. Collection method: clinical testing. Allele origin: germline.
Comment: The p.Y469C variant (also known as c.1406A>G), located in coding exon 8 of the MECOM gene, results from an A to G substitution at nucleotide position 1406. The tyrosine at codon 469 is replaced by cysteine, an amino acid with highly dissimilar properties. This amino acid position is conserved. In addition, the in silico prediction for this alteration is inconclusive. Based on the available evidence, the clinical significance of this variant remains unclear.